The following is an entry in ClinVar:

NM_004370.6(COL12A1):c.5672T>C (p.Ile1891Thr)

Gene: COL12A1 (collagen type XII alpha 1 chain; minus strand). Cytogenetic location: 6q13.
Variant type: single nucleotide variant.
Coding change: c.5672T>C on transcript NM_004370.6 (MANE Select); coding-DNA position 5672, T replaced by C.
Protein change: p.Ile1891Thr; replaces isoleucine 1891 with threonine.
Molecular consequence: missense variant.
Genome position (GRCh38, 1-based): chr6:75,133,415, A>G on the plus strand (T>C on the coding strand, the complement: COL12A1 is on the minus strand). VCF-style: chr6-75133415-A-G. GRCh37 (hg19) VCF-style: chr6-75843131-A-G.
Other names: c.5672T>C, p.Ile1891Thr (NM_001424113.1); c.5651T>C, p.Ile1884Thr (NM_001424114.1); c.5399T>C, p.Ile1800Thr (NM_001424115.1); c.2180T>C, p.Ile727Thr (NM_001424116.1, NM_080645.3); short protein forms I1891T, I1884T, I727T, I1800T.
Identifiers: ClinVar variation 2950414 (VCV002950414.3), dbSNP rs2533285606, ClinGen allele CA364734448.

ClinVar aggregate classification (germline): Uncertain significance (1 of 4 stars; one submission).

Conditions:
Ullrich congenital muscular dystrophy 2 (UCMD2). Identifiers: Orphanet 75840, MedGen C4225314, MONDO:0014654, OMIM 616470.
Bethlem myopathy 2 (BTHLM2). Identifiers: Orphanet 536516, Orphanet 610, MedGen C4225313, MONDO:0034022, OMIM 616471.

Submission:

Labcorp Genetics (formerly Invitae), Labcorp
Classification: Uncertain significance for Bethlem myopathy 2; Ullrich congenital muscular dystrophy 2. Last evaluated: 2023-07-28. Review status: criteria provided, single submitter. Criteria: Invitae Variant Classification Sherloc (09022015). Collection method: clinical testing. Allele origin: germline.
Comment: This variant has not been reported in the literature in individuals affected with COL12A1-related conditions. This variant is not present in population databases (gnomAD no frequency). This sequence change replaces isoleucine, which is neutral and non-polar, with threonine, which is neutral and polar, at codon 1891 of the COL12A1 protein (p.Ile1891Thr). Advanced modeling of protein sequence and biophysical properties (such as structural, functional, and spatial information, amino acid conservation, physicochemical variation, residue mobility, and thermodynamic stability) performed at Invitae indicates that this missense variant is not expected to disrupt COL12A1 protein function. In summary, the available evidence is currently insufficient to determine the role of this variant in disease. Therefore, it has been classified as a Variant of Uncertain Significance.